The following is an entry in ClinVar:

ClinVar aggregate classification (germline): Pathogenic (1 of 4 stars; one submission).

Conditions:
Inborn genetic diseases. Identifiers: MedGen C0950123, MeSH D030342.

Submission:

Ambry Genetics
Classification: Pathogenic for Inborn genetic diseases. Last evaluated: 2021-09-16. Review status: criteria provided, single submitter. Criteria: Ambry Variant Classification Scheme 2023. Collection method: clinical testing. Allele origin: germline.
Comment: The c.1129A>T (p.K377*) alteration, located in exon 5 (coding exon 2) of the ZMYM2 gene, consists of an A to T substitution at nucleotide position 1129. This changes the amino acid from a lysine (K) to a stop codon at amino acid position 377. This alteration is expected to result in loss of function by premature protein truncation or nonsense-mediated mRNA decay. This variant was not reported in population-based cohorts in the Genome Aggregation Database (gnomAD). Based on the available evidence, this alteration is classified as pathogenic.

NM_197968.4(ZMYM2):c.1129A>T (p.Lys377Ter)

Gene: ZMYM2 (zinc finger MYM-type containing 2; plus strand). Cytogenetic location: 13q12.11.
Variant type: single nucleotide variant.
Coding change: c.1129A>T on transcript NM_197968.4 (MANE Select); coding-DNA position 1129, A replaced by T.
Protein change: p.Lys377Ter; replaces lysine 377 with a stop codon.
Molecular consequence: nonsense. On other transcripts: non-coding transcript variant (1).
Genome position (GRCh38, 1-based): chr13:20,003,131, A>T. VCF-style: chr13-20003131-A-T. GRCh37 (hg19) VCF-style: chr13-20577271-A-T.
Other names: c.1129A>T, p.Lys377Ter (NM_001190964.4, NM_001190965.4, NM_001353157.2 and 5 more transcripts); c.934A>T, p.Lys312Ter (NM_001353161.3); c.868A>T, p.Lys290Ter (NM_001353163.2); short protein forms K312*, K377*, K290*.
Identifiers: ClinVar variation 2210008 (VCV002210008.2), dbSNP rs2502242173, ClinGen allele CA387669929.